The following is an entry in ClinVar:

NM_001177599.2(SUCLG2):c.1203dup (p.Gly402fs)

Gene: SUCLG2 (succinate-CoA ligase GDP-forming subunit beta; minus strand). Cytogenetic location: 3p14.1.
Variant type: Duplication.
Coding change: c.1203dup on transcript NM_001177599.2; coding-DNA position 1203, one base duplicated (A; older notation c.1203dupA).
Protein change: p.Gly402fs; shifts the reading frame from glycine 402.
Molecular consequence: frameshift variant.
Genome position (GRCh38, 1-based): chr3:67,360,749, T duplicated on the plus strand (A on the coding strand, the reverse complement: SUCLG2 is on the minus strand); the first of 8 consecutive T bases (chr3:67,360,749-67,360,756); duplicating any one gives the same sequence. VCF-style (leftmost placement, unchanged base first): chr3-67360748-C-CT. GRCh37 (hg19) VCF-style: chr3-67411172-C-CT.
Other names: short protein forms G402fs.
Identifiers: ClinVar variation 4748156 (VCV004748156.1).
Genomic context (GRCh38, chr3:67,360,748, plus strand): 5'-GGATACCAGTTATATTCTCATTTGAATTTCCTGTTTCTTGTTTTATGTGCATATAACTTC[C>CT]TTTTTTTTCCATAAAAGTACCTGAAATTGGAGTGAGATTCTTGTAATGAGTTTTTTCTTG-3'

ClinVar aggregate classification (germline): Uncertain significance (1 of 4 stars; one submission).

Submission:

Labcorp Genetics (formerly Invitae), Labcorp
Classification: Uncertain significance. Last evaluated: 2025-07-27. Review status: criteria provided, single submitter. Criteria: Invitae Variant Classification Sherloc (09022015). Collection method: clinical testing. Allele origin: germline.
Comment: This sequence change creates a premature translational stop signal (p.Gly402Argfs*15) in the SUCLG2 gene. While this is not anticipated to result in nonsense mediated decay, it is expected to disrupt the last 39 amino acid(s) of the SUCLG2 protein. The frequency data for this variant in the population databases is considered unreliable, as metrics indicate poor data quality at this position in the gnomAD database. This variant has not been reported in the literature in individuals affected with SUCLG2-related conditions. Experimental studies and prediction algorithms are not available or were not evaluated, and the functional significance of this variant is currently unknown. In summary, the available evidence is currently insufficient to determine the role of this variant in disease. Therefore, it has been classified as a Variant of Uncertain Significance.